The following is an entry in ClinVar:

NM_001943.5(DSG2):c.1211C>G (p.Ser404Ter)

Gene: DSG2 (desmoglein 2; plus strand). Cytogenetic location: 18q12.1.
Variant type: single nucleotide variant.
Coding change: c.1211C>G on transcript NM_001943.5 (MANE Select); coding-DNA position 1211, C replaced by G.
Protein change: p.Ser404Ter; replaces serine 404 with a stop codon.
Molecular consequence: nonsense.
Genome position (GRCh38, 1-based): chr18:31,531,183, C>G. VCF-style: chr18-31531183-C-G. GRCh37 (hg19) VCF-style: chr18-29111146-C-G.
Other names: short protein forms S404*.
Identifiers: ClinVar variation 2573007 (VCV002573007.2), dbSNP rs546127303, ClinGen allele CA297737066.

ClinVar aggregate classification (germline): Pathogenic/Likely pathogenic. Review status: criteria provided, multiple submitters, no conflicts (2 of 4 stars). 2 submissions from 2 submitters: Pathogenic (1); Likely pathogenic (1). Last evaluated 2024-09-30.

Conditions:
Cardiovascular phenotype. Identifiers: MedGen CN230736.
Arrhythmogenic right ventricular dysplasia 10. Also called: Arrhythmogenic right ventricular dysplasia/cardiomyopathy, type 10; ARRHYTHMOGENIC RIGHT VENTRICULAR DYSPLASIA, FAMILIAL, 10; Arrhythmogenic Right Ventricular Dysplasia/Cardiomyopathy10. Identifiers: MedGen C1857777, MONDO:0012434, OMIM 610193.

Allele frequency attached by ClinVar (database versions not stated): TOPMed below 0.00001; gnomAD 0.00001; 1000 Genomes Project 0.00020; 1000 Genomes Project 30x 0.00031.
gnomAD v4.1: 1 of 1,614,148 alleles (0.000062%); highest among the groups gnomAD compares: Admixed American, 0.0017%; no homozygotes.

Submissions (2):

Ambry Genetics
Classification: Pathogenic for Cardiovascular phenotype. Last evaluated: 2024-09-30. Review status: criteria provided, single submitter. Criteria: Ambry Variant Classification Scheme 2023. Collection method: clinical testing. Allele origin: germline.
Comment: The c.1211C>G (p.S404*) alteration, located in exon 9 (coding exon 9) of the DSG2 gene, consists of a C to G substitution at nucleotide position 1211. This changes the amino acid from a serine (S) to a stop codon at amino acid position 404. This alteration is expected to result in loss of function by premature protein truncation or nonsense-mediated mRNA decay. This variant was not reported in population-based cohorts in the Genome Aggregation Database (gnomAD). Based on the available evidence, this alteration is classified as pathogenic.

Illumina Laboratory Services, Illumina
Classification: Likely pathogenic for Arrhythmogenic right ventricular dysplasia 10. Last evaluated: 2023-04-28. Review status: criteria provided, single submitter. Criteria: ICSLVariantClassificationCriteria RUGD 01 April 2020. Collection method: clinical testing. Allele origin: unknown.
Comment: The DSG2 c.1211C>G (p.Ser404Ter) nonsense variant is expected to result in the loss of normal protein function through either protein truncation or nonsense-mediated mRNA decay. To our knowledge, this variant has not been reported in the peer-reviewed literature. This variant is not observed at a significant frequency in version 2.1.1 or version 3.1.2 of the Genome Aggregation Database. Based on the available evidence, the c.1211C>G (p.Ser404Ter) variant is classified as likely pathogenic for arrhythmogenic right ventricular cardiomyopathy.

Literature cited by the submitters: PubMed 16505173 (cited by Illumina Laboratory Services, Illumina).